The following is an entry in ClinVar:

NM_003055.3(SLC18A3):c.151A>G (p.Met51Val)

Genes: CHAT (choline O-acetyltransferase; plus strand), SLC18A3 (solute carrier family 18 member A3; plus strand). Cytogenetic location: 10q11.23.
Variant type: single nucleotide variant.
Coding change: c.151A>G on transcript NM_003055.3 (MANE Select); coding-DNA position 151, A replaced by G.
Protein change: p.Met51Val; replaces methionine 51 with valine.
Molecular consequence: missense variant. On other transcripts: intron variant (1).
Genome position (GRCh38, 1-based): chr10:49,610,891, A>G. VCF-style: chr10-49610891-A-G. GRCh37 (hg19) VCF-style: chr10-50818937-A-G.
Other names: c.-69+1692A>G (NM_020984.4); short protein forms M51V.
Identifiers: ClinVar variation 1032110 (VCV001032110.3), dbSNP rs1016793644, ClinGen allele CA206620784.

ClinVar aggregate classification (germline): Uncertain significance (1 of 4 stars; one submission).

Conditions:
Congenital myasthenic syndrome 21. Also called: Myasthenic syndrome, congenital, 21, presynaptic. Identifiers: MedGen C4310654, MONDO:0014983, OMIM 617239.

Allele frequency attached by ClinVar (database versions not stated): gnomAD 0.00001; TOPMed 0.00001; gnomAD exomes below 0.00001.
gnomAD v4.1: 6 of 1,613,024 alleles (0.00037%); highest among the groups gnomAD compares: East Asian, 0.0045%; no homozygotes.

Submission:

Baylor Genetics
Classification: Uncertain significance for Congenital myasthenic syndrome 21. Last evaluated: 2018-03-02. Review status: criteria provided, single submitter. Criteria: ACMG Guidelines, 2015. Collection method: clinical testing. Allele origin: maternal. Affected: yes.
Comment: This variant was determined to be of uncertain significance according to ACMG Guidelines, 2015 [PMID:25741868].